The following is an entry in ClinVar:

NM_015215.4(CAMTA1):c.1A>G (p.Met1Val)

Genes: CAMTA1 (calmodulin binding transcription activator 1; plus strand), LOC129929266 (ATAC-STARR-seq lymphoblastoid silent region 177; plus strand). Cytogenetic location: 1p36.31.
Variant type: single nucleotide variant.
Coding change: c.1A>G on transcript NM_015215.4 (MANE Select); coding-DNA position 1, A replaced by G.
Protein change: p.Met1Val; changes the start codon (methionine 1).
Molecular consequence: missense variant, initiator codon variant. On other transcripts: 5 prime UTR variant (2), non-coding transcript variant (4).
Genome position (GRCh38, 1-based): chr1:6,785,531, A>G. VCF-style: chr1-6785531-A-G. GRCh37 (hg19) VCF-style: chr1-6845591-A-G.
Other names: c.1A>G, p.Met1Val (NM_001195563.2, NM_001242701.2, NM_001349609.2 and 2 more transcripts); c.-20A>G (NM_001349608.2, NM_001349612.2); short protein forms M1V.
Identifiers: ClinVar variation 972996 (VCV000972996.5), dbSNP rs1638882060, ClinGen allele CA338217132.

ClinVar aggregate classification (germline): Uncertain significance (1 of 4 stars; one submission).

Submission:

GeneDx
Classification: Uncertain significance. Last evaluated: 2020-02-28. Review status: criteria provided, single submitter. Criteria: GeneDx Variant Classification Process June 2021. Collection method: clinical testing. Allele origin: germline. Affected: yes.
Comment: Not observed in large population cohorts (Lek et al., 2016); Initiation codon variant in a gene for which loss-of-function is not a known mechanism of disease; Has not been previously published as pathogenic or benign to our knowledge